The following is an entry in ClinVar:

NM_018429.3(BDP1):c.1640+66del

Gene: BDP1 (BDP1 general transcription factor IIIB subunit; plus strand). Cytogenetic location: 5q13.2.
Variant type: Deletion.
Coding change: c.1640+66del on transcript NM_018429.3 (MANE Select); 66 bases into the intron after coding-DNA position 1640, one base deleted (C; older notation c.1640+66delC).
Molecular consequence: intron variant.
Genome position (GRCh38, 1-based): chr5:71,491,197, C deleted. VCF-style (leftmost placement, unchanged base first): chr5-71491196-TC-T. GRCh37 (hg19) VCF-style: chr5-70787023-TC-T.
Identifiers: ClinVar variation 683303 (VCV000683303.1), dbSNP rs111963925, ClinGen allele CA119980553.

ClinVar aggregate classification (germline): Likely benign (1 of 4 stars; one submission).

Allele frequency attached by ClinVar (database versions not stated): gnomAD exomes 0.00116; 1000 Genomes Project 0.00919; 1000 Genomes Project 30x 0.00953; gnomAD 0.01114 and 0.01195; TOPMed 0.01302.

Submission:

GeneDx
Classification: Likely benign. Last evaluated: 2018-06-16. Review status: criteria provided, single submitter. Criteria: GeneDx Variant Classification (06012015). Collection method: clinical testing. Allele origin: germline. Affected: yes.
Comment: This variant is considered likely benign or benign based on one or more of the following criteria: it is a conservative change, it occurs at a poorly conserved position in the protein, it is predicted to be benign by multiple in silico algorithms, and/or has population frequency not consistent with disease.